The following is an entry in ClinVar:

ClinVar aggregate classification (germline): Uncertain significance (1 of 4 stars; one submission).

Conditions:
Congenital myasthenic syndrome 4A. Also called: Myasthenic syndrome, congenital, 4a, slow-channel; MYASTHENIC SYNDROME, CONGENITAL, 4A, SLOW-CHANNEL, AUTOSOMAL RECESSIVE; CONGENITAL MYASTHENIC SYNDROME TYPE Ia1. Identifiers: Orphanet 590, MedGen C4225413, MONDO:0011600, OMIM 605809.

Allele frequency attached by ClinVar (database versions not stated): ExAC 0.00001; gnomAD 0.00001; gnomAD exomes 0.00001; TOPMed 0.00001.
gnomAD v4.1: 9 of 1,613,720 alleles (0.00056%); highest among the groups gnomAD compares: Non-Finnish European, 0.00076%; no homozygotes.

Submission:

Labcorp Genetics (formerly Invitae), Labcorp
Classification: Uncertain significance for Congenital myasthenic syndrome 4A. Last evaluated: 2022-11-01. Review status: criteria provided, single submitter. Criteria: Invitae Variant Classification Sherloc (09022015). Collection method: clinical testing. Allele origin: germline.
Comment: This sequence change replaces leucine, which is neutral and non-polar, with histidine, which is basic and polar, at codon 14 of the CHRNE protein (p.Leu14His). This variant is present in population databases (rs765641852, gnomAD 0.0009%). This variant has not been reported in the literature in individuals affected with CHRNE-related conditions. Advanced modeling of protein sequence and biophysical properties (such as structural, functional, and spatial information, amino acid conservation, physicochemical variation, residue mobility, and thermodynamic stability) performed at Invitae indicates that this missense variant is not expected to disrupt CHRNE protein function. In summary, the available evidence is currently insufficient to determine the role of this variant in disease. Therefore, it has been classified as a Variant of Uncertain Significance.

NM_000080.4(CHRNE):c.41T>A (p.Leu14His)

Genes: C17orf107 (chromosome 17 open reading frame 107; plus strand), CHRNE (cholinergic receptor nicotinic epsilon subunit; minus strand). Cytogenetic location: 17p13.2.
Variant type: single nucleotide variant.
Coding change: c.41T>A on transcript NM_000080.4 (MANE Select); coding-DNA position 41, T replaced by A.
Protein change: p.Leu14His; replaces leucine 14 with histidine.
Molecular consequence: missense variant.
Genome position (GRCh38, 1-based): chr17:4,903,023, A>T on the plus strand (T>A on the coding strand, the complement: CHRNE is on the minus strand). VCF-style: chr17-4903023-A-T. GRCh37 (hg19) VCF-style: chr17-4806318-A-T.
Other names: short protein forms L14H.
Identifiers: ClinVar variation 2060248 (VCV002060248.1), dbSNP rs765641852, ClinGen allele CA8314638.